The following is an entry in ClinVar:

NM_001018115.3(FANCD2):c.3925T>G (p.Cys1309Gly)

Genes: FANCD2 (FA complementation group D2; plus strand), FANCD2OS (FANCD2 opposite strand; minus strand). Cytogenetic location: 3p25.3.
Variant type: single nucleotide variant.
Coding change: c.3925T>G on transcript NM_001018115.3 (MANE Select); coding-DNA position 3925, T replaced by G.
Protein change: p.Cys1309Gly; replaces cysteine 1309 with glycine.
Molecular consequence: missense variant. On other transcripts: intron variant (1).
Genome position (GRCh38, 1-based): chr3:10,094,325, T>G. VCF-style: chr3-10094325-T-G. GRCh37 (hg19) VCF-style: chr3-10136009-T-G.
Other names: c.3925T>G, p.Cys1309Gly (NM_001319984.2, NM_033084.6); c.3814T>G, p.Cys1272Gly (NM_001374253.1); c.3886T>G, p.Cys1296Gly (NM_001374254.1); c.*43+9873A>C (NM_173472.2); short protein forms C1309G, C1272G, C1296G.
Identifiers: ClinVar variation 2165349 (VCV002165349.3), dbSNP rs969773713, ClinGen allele CA351756541.

ClinVar aggregate classification (germline): Uncertain significance (1 of 4 stars; one submission).

Conditions:
Fanconi anemia (FA). Also called: Fanconi's anemia. Identifiers: Orphanet 84, MedGen C0015625, MeSH D005199, MONDO:0019391.

Submission:

Labcorp Genetics (formerly Invitae), Labcorp
Classification: Uncertain significance for Fanconi anemia. Last evaluated: 2022-03-12. Review status: criteria provided, single submitter. Criteria: Invitae Variant Classification Sherloc (09022015). Collection method: clinical testing. Allele origin: germline.
Comment: In summary, the available evidence is currently insufficient to determine the role of this variant in disease. Therefore, it has been classified as a Variant of Uncertain Significance. Algorithms developed to predict the effect of sequence changes on RNA splicing suggest that this variant may disrupt the consensus splice site. Algorithms developed to predict the effect of missense changes on protein structure and function (SIFT, PolyPhen-2, Align-GVGD) all suggest that this variant is likely to be tolerated. This variant has not been reported in the literature in individuals affected with FANCD2-related conditions. This variant is not present in population databases (gnomAD no frequency). This sequence change replaces cysteine, which is neutral and slightly polar, with glycine, which is neutral and non-polar, at codon 1309 of the FANCD2 protein (p.Cys1309Gly).